The following is an entry in ClinVar:

NM_025243.4(SLC19A3):c.*1792C>T

Gene: SLC19A3 (solute carrier family 19 member 3; minus strand). Cytogenetic location: 2q36.3.
Variant type: single nucleotide variant.
Coding change: c.*1792C>T on transcript NM_025243.4 (MANE Select); 1792 bases downstream of the stop codon, C replaced by T.
Molecular consequence: 3 prime UTR variant.
Genome position (GRCh38, 1-based): chr2:227,685,605, G>A on the plus strand (C>T on the coding strand, the complement: SLC19A3 is on the minus strand). VCF-style: chr2-227685605-G-A. GRCh37 (hg19) VCF-style: chr2-228550321-G-A.
Identifiers: ClinVar variation 334846 (VCV000334846.5), dbSNP rs181948693, ClinGen allele CA10614734.

ClinVar aggregate classification (germline): Benign (1 of 4 stars; one submission).

Conditions:
Biotin-responsive basal ganglia disease (BTBGD). Also called: Thiamine Transporter-2 Deficiency; THIAMINE METABOLISM DYSFUNCTION SYNDROME 2 (BIOTIN- AND THIAMINE-RESPONSIVE TYPE); Thiamine metabolism dysfunction syndrome type 2; Thiamine metabolism dysfunction syndrome 2 (biotin- or thiamine-responsive encephalopathy type 2); thiamine-responsive encephalopathy. Identifiers: Orphanet 199348, Orphanet 65284, MedGen C1843807, MONDO:0011841, OMIM 607483.

Allele frequency attached by ClinVar (database versions not stated): 1000 Genomes Project 30x 0.00671; 1000 Genomes Project 0.00719; TOPMed 0.00785; gnomAD 0.00872 and 0.00883; gnomAD exomes 0.03125.
gnomAD v4.1: 1,378 of 152,214 alleles (0.91%); highest among the groups gnomAD compares: South Asian, 2.1%; 9 homozygotes.

Submission:

Illumina Laboratory Services, Illumina
Classification: Benign for Biotin-responsive basal ganglia disease. Last evaluated: 2018-01-13. Review status: criteria provided, single submitter. Criteria: ICSL Variant Classification Criteria 13 December 2019. Collection method: clinical testing. Allele origin: germline.
Comment: This variant was observed in the ICSL laboratory as part of a predisposition screen in an ostensibly healthy population. It had not been previously curated by ICSL or reported in the Human Gene Mutation Database (HGMD: prior to June 1st, 2018), and was therefore a candidate for classification through an automated scoring system. Utilizing variant allele frequency, disease prevalence and penetrance estimates, and inheritance mode, an automated score was calculated to assess if this variant is too frequent to cause the disease. Based on the score and internal cut-off values, a variant classified as benign is not then subjected to further curation. The score for this variant resulted in a classification of benign for this disease.